The following is an entry in ClinVar:

ClinVar aggregate classification (germline): Uncertain significance. Review status: criteria provided, multiple submitters, no conflicts (2 of 4 stars). 5 submissions from 5 submitters: Uncertain significance (5). Last evaluated 2025-03-19.

Conditions:
Catecholaminergic polymorphic ventricular tachycardia (CVPT). Also called: Catecholamine-induced polymorphic ventricular tachycardia. Identifiers: Orphanet 3286, MedGen C5574922, MONDO:0017990.
Cardiomyopathy (CMYO). Also called: Cardiomyopathies. Identifiers: Orphanet 167848, MedGen C0878544, MONDO:0004994, HP:0001638. Inheritance: Various modes of inheritance.
Catecholaminergic polymorphic ventricular tachycardia 1. Also called: VENTRICULAR TACHYCARDIA, CATECHOLAMINERGIC POLYMORPHIC, 1, WITH OR WITHOUT ATRIAL DYSFUNCTION AND/OR DILATED CARDIOMYOPATHY; VENTRICULAR TACHYCARDIA, STRESS-INDUCED POLYMORPHIC 1; RYR2-Related Catecholaminergic Polymorphic Ventricular Tachycardia. Identifiers: Orphanet 3286, MedGen C1631597, MONDO:0011484, OMIM 604772.

Allele frequency attached by ClinVar (database versions not stated): gnomAD 0.00001 and below 0.00001; gnomAD exomes 0.00001 and below 0.00001.
gnomAD v4.1: 10 of 1,599,268 alleles (0.00063%); highest among the groups gnomAD compares: Middle Eastern, 0.017%; no homozygotes.

Submissions (5):

Revvity Omics, Revvity
Classification: Uncertain significance. Last evaluated: 2025-03-19. Review status: criteria provided, single submitter. Criteria: ACMG Guidelines, 2015. Collection method: clinical testing. Allele origin: germline.

Color Diagnostics, LLC DBA Color Health
Classification: Uncertain significance for Cardiomyopathy. Last evaluated: 2024-03-06. Review status: criteria provided, single submitter. Criteria: ACMG Guidelines, 2015. Collection method: clinical testing. Allele origin: germline.
Comment: This missense variant replaces tyrosine with cysteine at codon 3635 of the RYR2 protein. Computational prediction suggests that this variant may not impact protein structure and function (internally defined REVEL score threshold <= 0.5, PMID: 27666373). To our knowledge, functional studies have not been reported for this variant. This variant has not been reported in individuals affected with RYR2-related disorders in the literature. This variant has been identified in 1/248468 chromosomes in the general population by the Genome Aggregation Database (gnomAD). The available evidence is insufficient to determine the role of this variant in disease conclusively. Therefore, this variant is classified as a Variant of Uncertain Significance.

All of Us Research Program, National Institutes of Health
Classification: Uncertain significance for Catecholaminergic polymorphic ventricular tachycardia. Last evaluated: 2023-12-01. Review status: criteria provided, single submitter. Criteria: ACMG Guidelines, 2015. Collection method: clinical testing. Allele origin: germline. Inheritance: Autosomal dominant inheritance. Observed: 3 variant alleles, 3 heterozygotes.
Comment: This missense variant replaces tyrosine with cysteine at codon 3635 of the RYR2 protein. Computational prediction suggests that this variant may not impact protein structure and function (internally defined REVEL score threshold <= 0.5, PMID: 27666373). To our knowledge, functional studies have not been reported for this variant. This variant has not been reported in individuals affected with cardiovascular disorders in the literature. This variant has been identified in 1/248468 chromosomes in the general population by the Genome Aggregation Database (gnomAD). The available evidence is insufficient to determine the role of this variant in disease conclusively. Therefore, this variant is classified as a Variant of Uncertain Significance.

This study involves interpretation of variants in research participants for the purpose of population health screening. Participant phenotype was not available at the time of variant classification. Additional details can be found in publication PMID: 35346344, PMCID: PMC8962531

Labcorp Genetics (formerly Invitae), Labcorp
Classification: Uncertain significance for Catecholaminergic polymorphic ventricular tachycardia 1. Last evaluated: 2022-03-09. Review status: criteria provided, single submitter. Criteria: Invitae Variant Classification Sherloc (09022015). Collection method: clinical testing. Allele origin: germline.
Comment: This variant is not present in population databases (gnomAD no frequency). In summary, the available evidence is currently insufficient to determine the role of this variant in disease. Therefore, it has been classified as a Variant of Uncertain Significance. Advanced modeling of protein sequence and biophysical properties (such as structural, functional, and spatial information, amino acid conservation, physicochemical variation, residue mobility, and thermodynamic stability) performed at Invitae indicates that this missense variant is not expected to disrupt RYR2 protein function. ClinVar contains an entry for this variant (Variation ID: 290020). This variant has not been reported in the literature in individuals affected with RYR2-related conditions. This sequence change replaces tyrosine, which is neutral and polar, with cysteine, which is neutral and slightly polar, at codon 3635 of the RYR2 protein (p.Tyr3635Cys).

Eurofins Ntd Llc (ga)
Classification: Uncertain significance. Last evaluated: 2016-08-04. Review status: criteria provided, single submitter. Criteria: EGL Classification Definitions 2015. Collection method: clinical testing. Allele origin: germline. Observed: 1 variant allele, 1 heterozygote.

NM_001035.3(RYR2):c.10904A>G (p.Tyr3635Cys)

Gene: RYR2 (ryanodine receptor 2; plus strand). Cytogenetic location: 1q43.
Variant type: single nucleotide variant.
Coding change: c.10904A>G on transcript NM_001035.3 (MANE Select); coding-DNA position 10904, A replaced by G.
Protein change: p.Tyr3635Cys; replaces tyrosine 3635 with cysteine.
Molecular consequence: missense variant.
Genome position (GRCh38, 1-based): chr1:237,730,325, A>G. VCF-style: chr1-237730325-A-G. GRCh37 (hg19) VCF-style: chr1-237893625-A-G.
Other names: c.10904A>G, p.Tyr3635Cys (LRG_402t1); short protein forms Y3635C.
Identifiers: ClinVar variation 290020 (VCV000290020.20), dbSNP rs886044331, ClinGen allele CA10606629.
Genomic context (GRCh38, chr1:237,730,325, plus strand): 5'-GGGCTGTCAATCTCTTTCTTCAGGGATATGAAAAGTCTTGGATTGAAACAGAAGAACATT[A>G]CTTTGAAGATAAACTGATAGAAGATTTAGCAGTATGTTTTTAGTGGGGCTCTAAGATGAA-3'
Protein context (NP_001026.2, residues 3625-3645): EKSWIETEEH[Tyr3635Cys]FEDKLIEDLA